The following is an entry in ClinVar:

ClinVar aggregate classification (germline): Uncertain significance. Review status: criteria provided, multiple submitters, no conflicts (2 of 4 stars). 2 submissions from 2 submitters: Uncertain significance (2). Last evaluated 2025-11-03.

Conditions:
Neurofibromatosis, type 1 (NF1). Also called: Neurofibromatosis, type I; VON RECKLINGHAUSEN DISEASE; Peripheral type neurofibromatosis; NEUROFIBROMATOSIS, TYPE I, SOMATIC. Identifiers: Orphanet 636, MedGen C0027831, MONDO:0018975, OMIM 162200. Disease mechanism: loss of function.
Cardiovascular phenotype. Identifiers: MedGen CN230736.
Hereditary cancer-predisposing syndrome. Also called: Neoplastic Syndromes, Hereditary; Hereditary neoplastic syndrome; Hereditary Cancer Syndrome; Tumor predisposition. Identifiers: Orphanet 140162, MedGen C0027672, MeSH D009386, MONDO:0015356.

Submissions (2):

Ambry Genetics
Classification: Uncertain significance for Cardiovascular phenotype; Hereditary cancer-predisposing syndrome. Last evaluated: 2025-11-03. Review status: criteria provided, single submitter. Criteria: Ambry Variant Classification Scheme 2023. Collection method: clinical testing. Allele origin: germline.
Comment: The p.M2558V variant (also known as c.7672A>G), located in coding exon 51 of the NF1 gene, results from an A to G substitution at nucleotide position 7672. The methionine at codon 2558 is replaced by valine, an amino acid with highly similar properties. This amino acid position is conserved. In addition, this alteration is predicted to be tolerated by in silico analysis. Based on the available evidence, the clinical significance of this variant remains unclear.

Labcorp Genetics (formerly Invitae), Labcorp
Classification: Uncertain significance for Neurofibromatosis, type 1. Last evaluated: 2021-12-24. Review status: criteria provided, single submitter. Criteria: Invitae Variant Classification Sherloc (09022015). Collection method: clinical testing. Allele origin: germline.
Comment: Advanced modeling of protein sequence and biophysical properties (such as structural, functional, and spatial information, amino acid conservation, physicochemical variation, residue mobility, and thermodynamic stability) performed at Invitae indicates that this missense variant is not expected to disrupt NF1 protein function. In summary, the available evidence is currently insufficient to determine the role of this variant in disease. Therefore, it has been classified as a Variant of Uncertain Significance. Algorithms developed to predict the effect of sequence changes on RNA splicing suggest that this variant may create or strengthen a splice site. This variant has not been reported in the literature in individuals affected with NF1-related conditions. This variant is not present in population databases (gnomAD no frequency). This sequence change replaces methionine, which is neutral and non-polar, with valine, which is neutral and non-polar, at codon 2558 of the NF1 protein (p.Met2558Val).

NM_001042492.3(NF1):c.7735A>G (p.Met2579Val)

Gene: NF1 (neurofibromin 1; plus strand). Cytogenetic location: 17q11.2.
Variant type: single nucleotide variant.
Coding change: c.7735A>G on transcript NM_001042492.3 (MANE Select); coding-DNA position 7735, A replaced by G.
Protein change: p.Met2579Val; replaces methionine 2579 with valine.
Molecular consequence: missense variant.
Genome position (GRCh38, 1-based): chr17:31,356,579, A>G. VCF-style: chr17-31356579-A-G. GRCh37 (hg19) VCF-style: chr17-29683597-A-G.
Other names: c.7672A>G, p.Met2558Val (NM_000267.4); short protein forms M2579V, M2558V.
Identifiers: ClinVar variation 2169956 (VCV002169956.5), dbSNP rs2508824541, ClinGen allele CA399018250.